The following is an entry in ClinVar:

ClinVar aggregate classification (germline): Uncertain significance (1 of 4 stars; one submission).

Conditions:
Neurodevelopmental disorder with cerebellar atrophy and with or without seizures. Identifiers: MedGen C4748032, MONDO:0020841, OMIM 618056.

Submission:

Neuberg Centre For Genomic Medicine, NCGM
Classification: Uncertain significance for Neurodevelopmental disorder with cerebellar atrophy and with or without seizures. Review status: criteria provided, single submitter. Criteria: ACMG Guidelines, 2015. Collection method: clinical testing. Allele origin: germline. Affected: yes.
Comment: The missense c.296T>C(p.Leu99Pro) variant in the BRAT1 gene has previously not been reported as Pathogenic or Likely Benign, to our knowledge. The p.Leu99Pro variant is novel (not in any individuals) in gnomAD Exomes and 1000 Genomes. The amino acid Leu at position 99 is changed to a Pro changing protein sequence and it might alter its composition and physico-chemical properties. The variant is predicted to be damaging by both SIFT and PolyPhen2. The residue is conserved across species. The amino acid change p.Leu99Pro in BRAT1 is predicted as conserved by GERP++ and PhyloP across 100 vertebrates. For these reasons, this variant has been classified as Uncertain Significance.

NM_152743.4(BRAT1):c.296T>C (p.Leu99Pro)

Gene: BRAT1 (BRCA1 associated ATM activator 1; minus strand). Cytogenetic location: 7p22.3.
Variant type: single nucleotide variant.
Coding change: c.296T>C on transcript NM_152743.4 (MANE Select); coding-DNA position 296, T replaced by C.
Protein change: p.Leu99Pro; replaces leucine 99 with proline.
Molecular consequence: missense variant. On other transcripts: non-coding transcript variant (1), intron variant (1).
Genome position (GRCh38, 1-based): chr7:2,545,043, A>G on the plus strand (T>C on the coding strand, the complement: BRAT1 is on the minus strand). VCF-style: chr7-2545043-A-G. GRCh37 (hg19) VCF-style: chr7-2584677-A-G.
Other names: c.296T>C, p.Leu99Pro (NM_001350626.2); c.-95-1081T>C (NM_001350627.2); short protein forms L99P.
Identifiers: ClinVar variation 1878610 (VCV001878610.1), dbSNP rs2534415268, ClinGen allele CA366633015.
Genomic context (GRCh38, chr7:2,545,043, plus strand): 5'-ACGGTGGGGACGGCCCAGGTTGCTCGGCCGAGGGGTCCTGGCTCCCCAAAGAGCCCTGGT[A>G]GTAACTCCCCCTGCTGGGAAGCAAAAAAAGAAGTGAGGGTGGCCAGGCGCAGTGGCTGAA-3'
Protein context (NP_689956.2, residues 89-109): CFQYLQQGEL[Leu99Pro]PGLFGEPGPL